The following is an entry in ClinVar:

ClinVar aggregate classification (germline): Likely benign. Review status: criteria provided, single submitter (1 of 4 stars). 2 submissions from 2 submitters: Likely benign (1). 1 of the submissions does not count toward it. Last evaluated 2026-01-12.

Conditions:
CAMTA1-related disorder. Also called: CAMTA1-related condition.

Allele frequency attached by ClinVar (database versions not stated): gnomAD 0.00006; gnomAD exomes 0.00007; TOPMed 0.00017; ExAC 0.00024.
gnomAD v4.1: 114 of 1,613,872 alleles (0.0071%); highest among the groups gnomAD compares: Admixed American, 0.18%; no homozygotes.

Submissions (2):

Labcorp Genetics (formerly Invitae), Labcorp
Classification: Likely benign. Last evaluated: 2026-01-12. Review status: criteria provided, single submitter. Criteria: Invitae Variant Classification Sherloc (09022015). Collection method: clinical testing. Allele origin: germline.

PreventionGenetics, part of Exact Sciences
Classification: Likely benign for CAMTA1-related condition. Last evaluated: 2019-09-06. Review status: no assertion criteria provided. Collection method: clinical testing. Allele origin: germline. Not counted in ClinVar's aggregate classification.
Comment: This variant is classified as likely benign based on ACMG/AMP sequence variant interpretation guidelines (Richards et al. 2015 PMID: 25741868, with internal and published modifications).

NM_015215.4(CAMTA1):c.4384G>A (p.Glu1462Lys)

Gene: CAMTA1 (calmodulin binding transcription activator 1; plus strand). Cytogenetic location: 1p36.23.
Variant type: single nucleotide variant.
Coding change: c.4384G>A on transcript NM_015215.4 (MANE Select); coding-DNA position 4384, G replaced by A.
Protein change: p.Glu1462Lys; replaces glutamic acid 1462 with lysine.
Molecular consequence: missense variant.
Genome position (GRCh38, 1-based): chr1:7,745,858, G>A. VCF-style: chr1-7745858-G-A. GRCh37 (hg19) VCF-style: chr1-7805918-G-A.
Other names: c.4294G>A, p.Glu1432Lys (NM_001349608.2); c.4045G>A, p.Glu1349Lys (NM_001349609.2, NM_001349610.2, NM_001410737.1); c.3955G>A, p.Glu1319Lys (NM_001349612.2); c.1513G>A, p.Glu505Lys (NM_001349613.1); c.1456G>A, p.Glu486Lys (NM_001349614.1, NM_001349615.2, NM_001349616.2 and 2 more transcripts); c.1117G>A, p.Glu373Lys (NM_001349619.2, NM_001349620.1, NM_001349621.1 and 5 more transcripts); c.3973G>A, p.Glu1325Lys (NM_001410738.1); c.4384G>A (NM_015215.3); short protein forms E1349K, E505K, E373K, E1319K, E1432K, E1462K, E1325K, E486K.
Identifiers: ClinVar variation 2069027 (VCV002069027.6), dbSNP rs771443655, ClinGen allele CA567149.